The following is an entry in ClinVar:

ClinVar aggregate classification (germline): Uncertain significance. Review status: criteria provided, multiple submitters, no conflicts (2 of 4 stars). 2 submissions from 2 submitters: Uncertain significance (2). Last evaluated 2024-05-22.

Conditions:
Inborn genetic diseases. Identifiers: MedGen C0950123, MeSH D030342.
Focal segmental glomerulosclerosis 5 (FSGS5). Identifiers: Orphanet 656, MedGen C2750475, MONDO:0013191, OMIM 613237.
Charcot-Marie-Tooth disease dominant intermediate E. Also called: CHARCOT-MARIE-TOOTH NEUROPATHY WITH FOCAL SEGMENTAL GLOMERULONEPHRITIS. Identifiers: Orphanet 93114, MedGen C4302667, MONDO:0013758, OMIM 614455.

Allele frequency attached by ClinVar (database versions not stated): TOPMed below 0.00001; gnomAD 0.00001; gnomAD exomes 0.00001.
gnomAD v4.1: 11 of 1,595,824 alleles (0.00069%); highest among the groups gnomAD compares: Non-Finnish European, 0.00094%; no homozygotes.

Submissions (2):

Labcorp Genetics (formerly Invitae), Labcorp
Classification: Uncertain significance for Charcot-Marie-Tooth disease dominant intermediate E; Focal segmental glomerulosclerosis 5. Last evaluated: 2024-05-22. Review status: criteria provided, single submitter. Criteria: Invitae Variant Classification Sherloc (09022015). Collection method: clinical testing. Allele origin: germline.
Comment: This sequence change replaces threonine, which is neutral and polar, with proline, which is neutral and non-polar, at codon 26 of the INF2 protein (p.Thr26Pro). This variant is not present in population databases (gnomAD no frequency). This variant has not been reported in the literature in individuals affected with INF2-related conditions. ClinVar contains an entry for this variant (Variation ID: 1006945). Advanced modeling of protein sequence and biophysical properties (such as structural, functional, and spatial information, amino acid conservation, physicochemical variation, residue mobility, and thermodynamic stability) performed at Invitae indicates that this missense variant is not expected to disrupt INF2 protein function with a negative predictive value of 95%. In summary, the available evidence is currently insufficient to determine the role of this variant in disease. Therefore, it has been classified as a Variant of Uncertain Significance.

Ambry Genetics
Classification: Uncertain significance for Inborn genetic diseases. Last evaluated: 2020-10-27. Review status: criteria provided, single submitter. Criteria: Ambry Variant Classification Scheme 2023. Collection method: clinical testing. Allele origin: germline.
Comment: The p.T26P variant (also known as c.76A>C), located in coding exon 1 of the INF2 gene, results from an A to C substitution at nucleotide position 76. The threonine at codon 26 is replaced by proline, an amino acid with highly similar properties. This amino acid position is not well conserved in available vertebrate species. In addition, the in silico prediction for this alteration is inconclusive. Since supporting evidence is limited at this time, the clinical significance of this alteration remains unclear.

NM_022489.4(INF2):c.76A>C (p.Thr26Pro)

Gene: INF2 (inverted formin 2; plus strand). Cytogenetic location: 14q32.33.
Variant type: single nucleotide variant.
Coding change: c.76A>C on transcript NM_022489.4 (MANE Select); coding-DNA position 76, A replaced by C.
Protein change: p.Thr26Pro; replaces threonine 26 with proline.
Molecular consequence: missense variant.
Genome position (GRCh38, 1-based): chr14:104,701,441, A>C. VCF-style: chr14-104701441-A-C. GRCh37 (hg19) VCF-style: chr14-105167778-A-C.
Other names: c.76A>C, p.Thr26Pro (NM_001031714.4, NM_032714.3); short protein forms T26P.
Identifiers: ClinVar variation 1006945 (VCV001006945.10), dbSNP rs1889488972, ClinGen allele CA391224725.
Genomic context (GRCh38, chr14:104,701,441, plus strand): 5'-GGCGCACAGCGCAAGTGGGCAGCGCTGAAGGAGAAGCTGGGGCCACAGGATTCGGACCCC[A>C]CGGAGGCCAACCTGGAGAGCGCGGACCCCGAGCTGTGCATCCGGCTGCTCCAGATGCCCT-3'
Protein context (NP_071934.3, residues 16-36): EKLGPQDSDP[Thr26Pro]EANLESADPE